The following is an entry in ClinVar:

NM_001167.4(XIAP):c.674C>G (p.Pro225Arg)

Gene: XIAP (X-linked inhibitor of apoptosis; plus strand). Cytogenetic location: Xq25.
Variant type: single nucleotide variant.
Coding change: c.674C>G on transcript NM_001167.4 (MANE Select); coding-DNA position 674, C replaced by G.
Protein change: p.Pro225Arg; replaces proline 225 with arginine.
Molecular consequence: missense variant.
Genome position (GRCh38, 1-based): chrX:123,886,336, C>G. VCF-style: chrX-123886336-C-G. GRCh37 (hg19) VCF-style: chrX-123020186-C-G.
Other names: c.674C>G, p.Pro225Arg (NM_001204401.2, NM_001378590.1, NM_001378591.1 and 1 more transcripts); short protein forms P225R.
Identifiers: ClinVar variation 4728868 (VCV004728868.1).
Genomic context (GRCh38, chrX:123,886,336, plus strand): 5'-GAAAACTGAAAAATTGGGAACCTTGTGATCGTGCCTGGTCAGAACACAGGCGACACTTTC[C>G]TAATTGCTTCTTTGTTTTGGGCCGGAATCTTAATATTCGAAGTGAATCTGATGCTGTGAG-3'
Protein context (NP_001158.2, residues 215-235): RAWSEHRRHF[Pro225Arg]NCFFVLGRNL

ClinVar aggregate classification (germline): Uncertain significance (1 of 4 stars; one submission).

Conditions:
X-linked lymphoproliferative disease due to XIAP deficiency. Also called: XIAP DEFICIENCY; XIAP-Related Lymphoproliferative Disease, X-Linked. Identifiers: Orphanet 2442, Orphanet 538934, MedGen C1845076, MONDO:0010385, OMIM 300635.

Submission:

Labcorp Genetics (formerly Invitae), Labcorp
Classification: Uncertain significance for X-linked lymphoproliferative disease due to XIAP deficiency. Last evaluated: 2025-11-19. Review status: criteria provided, single submitter. Criteria: Invitae Variant Classification Sherloc (09022015). Collection method: clinical testing. Allele origin: germline.
Comment: This sequence change replaces proline, which is neutral and non-polar, with arginine, which is basic and polar, at codon 225 of the XIAP protein (p.Pro225Arg). This variant is not present in population databases (gnomAD no frequency). This variant has not been reported in the literature in individuals affected with XIAP-related conditions. Invitae Evidence Modeling of protein sequence and biophysical properties (such as structural, functional, and spatial information, amino acid conservation, physicochemical variation, residue mobility, and thermodynamic stability) indicates that this missense variant is not expected to disrupt XIAP protein function with a negative predictive value of 80%. In summary, the available evidence is currently insufficient to determine the role of this variant in disease. Therefore, it has been classified as a Variant of Uncertain Significance.